The following is an entry in ClinVar:

ClinVar aggregate classification (germline): Uncertain significance. Review status: criteria provided, multiple submitters, no conflicts (2 of 4 stars). 2 submissions from 2 submitters: Uncertain significance (2). Last evaluated 2024-06-23.

Conditions:
Inborn genetic diseases. Identifiers: MedGen C0950123, MeSH D030342.

gnomAD v4.1: 3 of 1,613,996 alleles (0.00019%); highest among the groups gnomAD compares: Admixed American, 0.0033%; no homozygotes.

Submissions (2):

Labcorp Genetics (formerly Invitae), Labcorp
Classification: Uncertain significance. Last evaluated: 2024-06-23. Review status: criteria provided, single submitter. Criteria: Invitae Variant Classification Sherloc (09022015). Collection method: clinical testing. Allele origin: germline.
Comment: This sequence change replaces serine, which is neutral and polar, with alanine, which is neutral and non-polar, at codon 302 of the RUNX2 protein (p.Ser302Ala). This variant is present in population databases (rs746897678, gnomAD 0.003%). This variant has not been reported in the literature in individuals affected with RUNX2-related conditions. Advanced modeling of protein sequence and biophysical properties (such as structural, functional, and spatial information, amino acid conservation, physicochemical variation, residue mobility, and thermodynamic stability) performed at Invitae indicates that this missense variant is not expected to disrupt RUNX2 protein function with a negative predictive value of 80%. In summary, the available evidence is currently insufficient to determine the role of this variant in disease. Therefore, it has been classified as a Variant of Uncertain Significance.

Ambry Genetics
Classification: Uncertain significance for Inborn genetic diseases. Last evaluated: 2024-05-26. Review status: criteria provided, single submitter. Criteria: Ambry Variant Classification Scheme 2023. Collection method: clinical testing. Allele origin: germline.

NM_001024630.4(RUNX2):c.904T>G (p.Ser302Ala)

Gene: RUNX2 (RUNX family transcription factor 2; plus strand). Cytogenetic location: 6p21.1.
Variant type: single nucleotide variant.
Coding change: c.904T>G on transcript NM_001024630.4 (MANE Select); coding-DNA position 904, T replaced by G.
Protein change: p.Ser302Ala; replaces serine 302 with alanine.
Molecular consequence: missense variant.
Genome position (GRCh38, 1-based): chr6:45,512,290, T>G. VCF-style: chr6-45512290-T-G. GRCh37 (hg19) VCF-style: chr6-45480027-T-G.
Other names: c.904T>G, p.Ser302Ala (NM_001015051.4); c.862T>G, p.Ser288Ala (NM_001278478.2, NM_001369405.1); short protein forms S288A, S302A.
Identifiers: ClinVar variation 3315803 (VCV003315803.3).